The following is an entry in ClinVar:

ClinVar aggregate classification (germline): Uncertain significance. Review status: criteria provided, multiple submitters, no conflicts (2 of 4 stars). 2 submissions from 2 submitters: Uncertain significance (2). Last evaluated 2024-04-19.

Conditions:
Hereditary cancer-predisposing syndrome. Also called: Neoplastic Syndromes, Hereditary; Tumor predisposition; Hereditary Cancer Syndrome; Hereditary neoplastic syndrome. Identifiers: Orphanet 140162, MedGen C0027672, MeSH D009386, MONDO:0015356.
Breast-ovarian cancer, familial, susceptibility to, 4. Identifiers: Orphanet 145, MedGen C3280345, MONDO:0013669, OMIM 614291.

Submissions (2):

Ambry Genetics
Classification: Uncertain significance for Hereditary cancer-predisposing syndrome. Last evaluated: 2024-04-19. Review status: criteria provided, single submitter. Criteria: Ambry Variant Classification Scheme 2023. Collection method: clinical testing. Allele origin: germline.
Comment: The p.S257N variant (also known as c.770G>A), located in coding exon 9 of the RAD51D gene, results from a G to A substitution at nucleotide position 770. The serine at codon 257 is replaced by asparagine, an amino acid with highly similar properties. This amino acid position is conserved. In addition, this alteration is predicted to be tolerated by in silico analysis. Based on the available evidence, the clinical significance of this variant remains unclear.

Labcorp Genetics (formerly Invitae), Labcorp
Classification: Uncertain significance for Breast-ovarian cancer, familial, susceptibility to, 4. Last evaluated: 2023-01-28. Review status: criteria provided, single submitter. Criteria: Invitae Variant Classification Sherloc (09022015). Collection method: clinical testing. Allele origin: germline.
Comment: This sequence change replaces serine, which is neutral and polar, with asparagine, which is neutral and polar, at codon 257 of the RAD51D protein (p.Ser257Asn). This variant is not present in population databases (gnomAD no frequency). This variant has not been reported in the literature in individuals affected with RAD51D-related conditions. ClinVar contains an entry for this variant (Variation ID: 998561). Advanced modeling of protein sequence and biophysical properties (such as structural, functional, and spatial information, amino acid conservation, physicochemical variation, residue mobility, and thermodynamic stability) performed at Invitae indicates that this missense variant is not expected to disrupt RAD51D protein function. In summary, the available evidence is currently insufficient to determine the role of this variant in disease. Therefore, it has been classified as a Variant of Uncertain Significance.

NM_002878.4(RAD51D):c.770G>A (p.Ser257Asn)

Genes: RAD51D (RAD51 paralog D; minus strand), RAD51L3-RFFL (RAD51L3-RFFL readthrough; minus strand). Cytogenetic location: 17q12.
Variant type: single nucleotide variant.
Coding change: c.770G>A on transcript NM_002878.4 (MANE Select); coding-DNA position 770, G replaced by A.
Protein change: p.Ser257Asn; replaces serine 257 with asparagine.
Molecular consequence: missense variant. On other transcripts: non-coding transcript variant (3).
Genome position (GRCh38, 1-based): chr17:35,101,334, C>T on the plus strand (G>A on the coding strand, the complement: RAD51D is on the minus strand). VCF-style: chr17-35101334-C-T. GRCh37 (hg19) VCF-style: chr17-33428353-C-T.
Other names: c.830G>A, p.Ser277Asn (NM_001142571.2); c.434G>A, p.Ser145Asn (NM_133629.3); c.770G>A (NM_002878.3); short protein forms S145N, S257N, S277N.
Identifiers: ClinVar variation 998561 (VCV000998561.6), dbSNP rs2091535410, ClinGen allele CA399086927.